The following is an entry in ClinVar:

NM_001009944.3(PKD1):c.155C>A (p.Ser52Ter)

Gene: PKD1 (polycystin 1, transient receptor potential channel interacting; minus strand). Cytogenetic location: 16p13.3.
Variant type: single nucleotide variant.
Coding change: c.155C>A on transcript NM_001009944.3 (MANE Select); coding-DNA position 155, C replaced by A.
Protein change: p.Ser52Ter; replaces serine 52 with a stop codon.
Molecular consequence: nonsense.
Genome position (GRCh38, 1-based): chr16:2,135,535, G>T on the plus strand (C>A on the coding strand, the complement: PKD1 is on the minus strand). VCF-style: chr16-2135535-G-T. GRCh37 (hg19) VCF-style: chr16-2185536-G-T.
Other names: c.155C>A, p.Ser52Ter (NM_000296.4); short protein forms S52*.
Identifiers: ClinVar variation 2505898 (VCV002505898.1), dbSNP rs2092940490, ClinGen allele CA394282394.

ClinVar aggregate classification (germline): Pathogenic (1 of 4 stars; one submission).

Submission:

GeneDx
Classification: Pathogenic. Last evaluated: 2023-05-30. Review status: criteria provided, single submitter. Criteria: GeneDx Variant Classification Process June 2021. Collection method: clinical testing. Allele origin: germline. Affected: yes.
Comment: Nonsense variant predicted to result in protein truncation or nonsense mediated decay in a gene for which loss-of-function is a known mechanism of disease; Not observed at significant frequency in large population cohorts (gnomAD); Has not been previously published as pathogenic or benign to our knowledge